The following is an entry in ClinVar:

NM_001378615.1(CC2D2A):c.2898_2899dup (p.Ile967fs)

Genes: CC2D2A (coiled-coil and C2 domain containing 2A; plus strand), FBXL5 (F-box and leucine rich repeat protein 5; minus strand). Cytogenetic location: 4p15.32.
Variant type: Duplication.
Coding change: c.2898_2899dup on transcript NM_001378615.1 (MANE Select); coding-DNA positions 2898 to 2899, 2 bases duplicated (CA; older notation c.2898_2899dupCA).
Protein change: p.Ile967fs; shifts the reading frame from isoleucine 967.
Molecular consequence: frameshift variant.
Genome position (GRCh38, 1-based): chr4:15,559,233-15,559,234, CA duplicated. VCF-style (leftmost placement, unchanged base first): chr4-15559232-C-CCA. GRCh37 (hg19) VCF-style: chr4-15560855-C-CCA.
Other names: c.2898_2899dup, p.Ile967fs (NM_001080522.2); c.2751_2752dup, p.Ile918fs (NM_001378617.1); short protein forms I918fs, I967fs.
Identifiers: ClinVar variation 1073574 (VCV001073574.7), dbSNP rs2109060214, ClinGen allele CA2499217140.

ClinVar aggregate classification (germline): Pathogenic (1 of 4 stars; one submission).

Conditions:
Joubert syndrome. Also called: JOUBERT-BOLTSHAUSER SYNDROME; Familial aplasia of the vermis. Identifiers: Orphanet 475, MedGen C5979921, MONDO:0018772.
Meckel-Gruber syndrome. Also called: DYSENCEPHALIA SPLANCHNOCYSTICA; GRUBER SYNDROME; Dysencephalia splachnocystica. Identifiers: Orphanet 564, MedGen C0265215, MONDO:0018921.

Submission:

Labcorp Genetics (formerly Invitae), Labcorp
Classification: Pathogenic for Joubert syndrome; Meckel-Gruber syndrome. Last evaluated: 2021-07-19. Review status: criteria provided, single submitter. Criteria: Invitae Variant Classification Sherloc (09022015). Collection method: clinical testing. Allele origin: germline.
Comment: ClinVar contains an entry for this variant (Variation ID: 1073574). This sequence change creates a premature translational stop signal (p.Ile967Thrfs*2) in the CC2D2A gene. It is expected to result in an absent or disrupted protein product. Loss-of-function variants in CC2D2A are known to be pathogenic (PMID: 19777577). This variant is not present in population databases (ExAC no frequency). This variant has not been reported in the literature in individuals affected with CC2D2A-related conditions. For these reasons, this variant has been classified as Pathogenic.

Literature cited by the submitters: PubMed 19777577.